The following is an entry in ClinVar:

ClinVar aggregate classification (germline): Benign (1 of 4 stars; one submission).

Conditions:
Autosomal recessive spinocerebellar ataxia 10. Identifiers: Orphanet 284289, MedGen C3150998, MONDO:0013392, OMIM 613728.

Allele frequency attached by ClinVar (database versions not stated): gnomAD exomes 0.00303; gnomAD 0.00916; TOPMed 0.01132; 1000 Genomes Project 30x 0.01156; 1000 Genomes Project 0.01478.
gnomAD v4.1: 1,663 of 152,614 alleles (1.1%); highest among the groups gnomAD compares: African/African-American, 2.5%; 18 homozygotes.

Submission:

Illumina Laboratory Services, Illumina
Classification: Benign for Autosomal recessive spinocerebellar ataxia 10. Last evaluated: 2018-01-12. Review status: criteria provided, single submitter. Criteria: ICSL Variant Classification Criteria 13 December 2019. Collection method: clinical testing. Allele origin: germline.
Comment: This variant was observed in the ICSL laboratory as part of a predisposition screen in an ostensibly healthy population. It had not been previously curated by ICSL or reported in the Human Gene Mutation Database (HGMD: prior to June 1st, 2018), and was therefore a candidate for classification through an automated scoring system. Utilizing variant allele frequency, disease prevalence and penetrance estimates, and inheritance mode, an automated score was calculated to assess if this variant is too frequent to cause the disease. Based on the score and internal cut-off values, a variant classified as benign is not then subjected to further curation. The score for this variant resulted in a classification of benign for this disease.

NM_018075.5(ANO10):c.-90C>T

Genes: ANO10 (anoctamin 10; minus strand), LOC129936579 (ATAC-STARR-seq lymphoblastoid silent region 14256; plus strand). Cytogenetic location: 3p21.33.
Variant type: single nucleotide variant.
Coding change: c.-90C>T on transcript NM_018075.5 (MANE Select); 90 bases upstream of the start codon, C replaced by T.
Molecular consequence: 5 prime UTR variant. On other transcripts: intron variant (2).
Genome position (GRCh38, 1-based): chr3:43,621,987, G>A on the plus strand (C>T on the coding strand, the complement: ANO10 is on the minus strand). VCF-style: chr3-43621987-G-A. GRCh37 (hg19) VCF-style: chr3-43663479-G-A.
Other names: c.-90C>T (NM_001346463.2, NM_001346464.2, NM_001346465.2 and 4 more transcripts); c.-226C>T (NM_001346466.2, NM_001346467.2); c.-11-16124C>T (NM_001346469.2, NM_001346468.2).
Identifiers: ClinVar variation 345202 (VCV000345202.5), dbSNP rs565644253, ClinGen allele CA10616441.